The following is an entry in ClinVar:

NM_015100.4(POGZ):c.1793G>C (p.Arg598Pro)

Gene: POGZ (pogo transposable element derived with ZNF domain; minus strand). Cytogenetic location: 1q21.3.
Variant type: single nucleotide variant.
Coding change: c.1793G>C on transcript NM_015100.4 (MANE Select); coding-DNA position 1793, G replaced by C.
Protein change: p.Arg598Pro; replaces arginine 598 with proline.
Molecular consequence: missense variant.
Genome position (GRCh38, 1-based): chr1:151,411,758, C>G on the plus strand (G>C on the coding strand, the complement: POGZ is on the minus strand). VCF-style: chr1-151411758-C-G. GRCh37 (hg19) VCF-style: chr1-151384234-C-G.
Other names: c.1766G>C, p.Arg589Pro (NM_001194937.2); c.1607G>C, p.Arg536Pro (NM_001194938.2); c.1508G>C, p.Arg503Pro (NM_145796.4); c.1634G>C, p.Arg545Pro (NM_207171.2); short protein forms R503P, R536P, R545P, R589P, R598P.
Identifiers: ClinVar variation 1695498 (VCV001695498.2), dbSNP rs1387717456, ClinGen allele CA341963688.
Genomic context (GRCh38, chr1:151,411,758, plus strand): 5'-TGCCGGGTATCCTCATGGATCATCCGAAAATGGACATCTACCTCAGAGTAGAGTGAGGAG[C>G]GATATTGACACACCTGAGTCACATAGGAGGGAAAATAAGGCTAAGAATGAAGTGAACAAC-3'
Protein context (NP_055915.2, residues 588-608): MPYVCQVCQY[Arg598Pro]SSLYSEVDVH

ClinVar aggregate classification (germline): Uncertain significance (1 of 4 stars; one submission).

Submission:

GeneDx
Classification: Uncertain significance. Last evaluated: 2022-01-10. Review status: criteria provided, single submitter. Criteria: GeneDx Variant Classification Process June 2021. Collection method: clinical testing. Allele origin: germline. Affected: yes.
Comment: Not observed at significant frequency in large population cohorts (gnomAD); In silico analysis supports that this missense variant has a deleterious effect on protein structure/function; Has not been previously published as pathogenic or benign to our knowledge